The following is an entry in ClinVar:

ClinVar aggregate classification (germline): Uncertain significance (1 of 4 stars; one submission).

Allele frequency attached by ClinVar (database versions not stated): TOPMed 0.00001; gnomAD exomes 0.00007; ExAC 0.00010; gnomAD 0.00010.
gnomAD v4.1: 117 of 1,613,464 alleles (0.0073%); highest among the groups gnomAD compares: South Asian, 0.0066%; no homozygotes.

Submission:

Labcorp Genetics (formerly Invitae), Labcorp
Classification: Uncertain significance. Last evaluated: 2022-02-17. Review status: criteria provided, single submitter. Criteria: Invitae Variant Classification Sherloc (09022015). Collection method: clinical testing. Allele origin: germline.
Comment: This variant is present in population databases (rs745617798, gnomAD 0.1%). In summary, the available evidence is currently insufficient to determine the role of this variant in disease. Therefore, it has been classified as a Variant of Uncertain Significance. Algorithms developed to predict the effect of missense changes on protein structure and function are either unavailable or do not agree on the potential impact of this missense change (SIFT: "Deleterious"; PolyPhen-2: "Benign"; Align-GVGD: "Class C0"). This variant has not been reported in the literature in individuals affected with SLC9A1-related conditions. This sequence change replaces proline, which is neutral and non-polar, with leucine, which is neutral and non-polar, at codon 721 of the SLC9A1 protein (p.Pro721Leu).

NM_003047.5(SLC9A1):c.2162C>T (p.Pro721Leu)

Gene: SLC9A1 (solute carrier family 9 member A1; minus strand). Cytogenetic location: 1p36.11.
Variant type: single nucleotide variant.
Coding change: c.2162C>T on transcript NM_003047.5 (MANE Select); coding-DNA position 2162, C replaced by T.
Protein change: p.Pro721Leu; replaces proline 721 with leucine.
Molecular consequence: missense variant. On other transcripts: non-coding transcript variant (1).
Genome position (GRCh38, 1-based): chr1:27,100,593, G>A on the plus strand (C>T on the coding strand, the complement: SLC9A1 is on the minus strand). VCF-style: chr1-27100593-G-A. GRCh37 (hg19) VCF-style: chr1-27427084-G-A.
Other names: short protein forms P721L.
Identifiers: ClinVar variation 1957599 (VCV001957599.3), dbSNP rs745617798, ClinGen allele CA710853.